The following is an entry in ClinVar:

NM_000059.4(BRCA2):c.5548A>G (p.Lys1850Glu)

Gene: BRCA2 (BRCA2 DNA repair associated; plus strand). Cytogenetic location: 13q13.1.
Variant type: single nucleotide variant.
Coding change: c.5548A>G on transcript NM_000059.4 (MANE Select); coding-DNA position 5548, A replaced by G.
Protein change: p.Lys1850Glu; replaces lysine 1850 with glutamic acid.
Molecular consequence: missense variant. On other transcripts: non-coding transcript variant (1), intron variant (2).
Genome position (GRCh38, 1-based): chr13:32,339,903, A>G. VCF-style: chr13-32339903-A-G. GRCh37 (hg19) VCF-style: chr13-32914040-A-G.
Other names: c.5548A>G, p.Lys1850Glu (NM_001406719.1, NM_001406720.1, NM_001432077.1); c.1910-4655A>G (NM_001406721.1); c.425-4655A>G (NM_001406722.1); short protein forms K1850E.
Identifiers: ClinVar variation 4802314 (VCV004802314.1).

ClinVar aggregate classification (germline): Uncertain significance (1 of 4 stars; one submission).

Conditions:
Hereditary breast ovarian cancer syndrome. Also called: Hereditary breast and ovarian cancer syndrome (HBOC); Hereditary breast and ovarian cancer; Breast and ovarian cancer; Hereditary breast and/or ovarian cancer syndrome; BRCA1- and BRCA2-Associated Hereditary Breast and Ovarian Cancer; Hereditary breast and ovarian cancer syndrome. Identifiers: Orphanet 145, MedGen C0677776, MeSH D061325, MONDO:0003582. Disease mechanism: loss of function.

Submission:

Labcorp Genetics (formerly Invitae), Labcorp
Classification: Uncertain significance for Hereditary breast ovarian cancer syndrome. Last evaluated: 2025-11-10. Review status: criteria provided, single submitter. Criteria: Invitae Variant Classification Sherloc (09022015). Collection method: clinical testing. Allele origin: germline.
Comment: This sequence change replaces lysine, which is basic and polar, with glutamic acid, which is acidic and polar, at codon 1850 of the BRCA2 protein (p.Lys1850Glu). This variant is not present in population databases (gnomAD no frequency). This missense change has been observed in individual(s) with a personal or family history of breast and/or ovarian cancer (PMID: 34284872). Invitae Evidence Modeling of protein sequence and biophysical properties (such as structural, functional, and spatial information, amino acid conservation, physicochemical variation, residue mobility, and thermodynamic stability) indicates that this missense variant is not expected to disrupt BRCA2 protein function with a negative predictive value of 95%. In summary, the available evidence is currently insufficient to determine the role of this variant in disease. Therefore, it has been classified as a Variant of Uncertain Significance.

Literature cited by the submitters: PubMed 34284872.